The following is an entry in ClinVar:

ClinVar aggregate classification (germline): Uncertain significance (1 of 4 stars; one submission).

Conditions:
Brown-Vialetto-van Laere syndrome 1. Also called: BROWN-VIALETTO-VAN LAERE SYNDROME 1, MILD; BULBAR PALSY, PROGRESSIVE, WITH SENSORINEURAL DEAFNESS; PONTOBULBAR PALSY WITH DEAFNESS. Identifiers: Orphanet 572550, Orphanet 97229, MedGen C0796274, MONDO:0024537, OMIM 211530.

Submission:

Labcorp Genetics (formerly Invitae), Labcorp
Classification: Uncertain significance for Brown-Vialetto-van Laere syndrome 1. Last evaluated: 2019-10-25. Review status: criteria provided, single submitter. Criteria: Invitae Variant Classification Sherloc (09022015). Collection method: clinical testing. Allele origin: germline.
Comment: This sequence change replaces asparagine with isoleucine at codon 377 of the SLC52A3 protein (p.Asn377Ile). The asparagine residue is highly conserved and there is a large physicochemical difference between asparagine and isoleucine. This variant is not present in population databases (ExAC no frequency). This variant has not been reported in the literature in individuals with SLC52A3-related conditions. Algorithms developed to predict the effect of missense changes on protein structure and function (SIFT, PolyPhen-2, Align-GVGD) all suggest that this variant is likely to be tolerated, but these predictions have not been confirmed by published functional studies and their clinical significance is uncertain. In summary, the available evidence is currently insufficient to determine the role of this variant in disease. Therefore, it has been classified as a Variant of Uncertain Significance.

NM_033409.4(SLC52A3):c.1130A>T (p.Asn377Ile)

Gene: SLC52A3 (solute carrier family 52 member 3; minus strand). Cytogenetic location: 20p13.
Variant type: single nucleotide variant.
Coding change: c.1130A>T on transcript NM_033409.4 (MANE Select); coding-DNA position 1130, A replaced by T.
Protein change: p.Asn377Ile; replaces asparagine 377 with isoleucine.
Molecular consequence: missense variant.
Genome position (GRCh38, 1-based): chr20:761,768, T>A on the plus strand (A>T on the coding strand, the complement: SLC52A3 is on the minus strand). VCF-style: chr20-761768-T-A. GRCh37 (hg19) VCF-style: chr20-742412-T-A.
Other names: c.1130A>T, p.Asn377Ile (NM_001370085.1, NM_001370086.1); short protein forms N377I.
Identifiers: ClinVar variation 968525 (VCV000968525.9), dbSNP rs1986495207, ClinGen allele CA407962385.
Genomic context (GRCh38, chr20:761,768, plus strand): 5'-ACTTCCCCACCCCAGTGGCCCTGCAAGAGGGGGCAGGGGCTCATCACCGCCATGGCCATG[T>A]TGTAGCCCCCAAAGCAGGTCCCAAGCACGGAGAGGACCCCCAGGAACAGCAGAGACCTAG-3'
Protein context (NP_212134.3, residues 367-387): SVLGTCFGGY[Asn377Ile]MAMAVMSPCP